The following is an entry in ClinVar:

NM_000094.4(COL7A1):c.3178C>T (p.His1060Tyr)

Gene: COL7A1 (collagen type VII alpha 1 chain; minus strand). Cytogenetic location: 3p21.31.
Variant type: single nucleotide variant.
Coding change: c.3178C>T on transcript NM_000094.4 (MANE Select); coding-DNA position 3178, C replaced by T.
Protein change: p.His1060Tyr; replaces histidine 1060 with tyrosine.
Molecular consequence: missense variant.
Genome position (GRCh38, 1-based): chr3:48,587,070, G>A on the plus strand (C>T on the coding strand, the complement: COL7A1 is on the minus strand). VCF-style: chr3-48587070-G-A. GRCh37 (hg19) VCF-style: chr3-48624503-G-A.
Other names: short protein forms H1060Y.
Identifiers: ClinVar variation 4065178 (VCV004065178.2).
Genomic context (GRCh38, chr3:48,587,070, plus strand): 5'-CCAGACGCTCCAGGACCCTCCTCGTAGCCTCCGCACGGTGAGCATTGTCTTGAGTGGCAT[G>A]TGGTAGGAACACCACATCCGCCAGGCCACGGGGGCACACTGTAGGAAGGGGAACAAGTTA-3'
Protein context (NP_000085.1, residues 1050-1070): RGLADVVFLP[His1060Tyr]ATQDNAHRAE

ClinVar aggregate classification (germline): Uncertain significance. Review status: criteria provided, single submitter (1 of 4 stars). 2 submissions from 2 submitters: Uncertain significance (1). 1 of the submissions does not count toward it. Last evaluated 2025-07-29.

Conditions:
Epidermolysis bullosa dystrophica. Also called: Dystrophic epidermolysis bullosa, Hallopeau-Siemens type (formerly); Dystrophic epidermolysis bullosa. Identifiers: Orphanet 303, MedGen C0079294, MONDO:0006543.

Submissions (2):

Labcorp Genetics (formerly Invitae), Labcorp
Classification: Uncertain significance. Last evaluated: 2025-07-29. Review status: criteria provided, single submitter. Criteria: Invitae Variant Classification Sherloc (09022015). Collection method: clinical testing. Allele origin: germline.
Comment: This sequence change replaces histidine, which is basic and polar, with tyrosine, which is neutral and polar, at codon 1060 of the COL7A1 protein (p.His1060Tyr). This variant is not present in population databases (gnomAD no frequency). This variant has not been reported in the literature in individuals affected with COL7A1-related conditions. Invitae Evidence Modeling of protein sequence and biophysical properties (such as structural, functional, and spatial information, amino acid conservation, physicochemical variation, residue mobility, and thermodynamic stability) indicates that this missense variant is not expected to disrupt COL7A1 protein function with a negative predictive value of 95%. In summary, the available evidence is currently insufficient to determine the role of this variant in disease. Therefore, it has been classified as a Variant of Uncertain Significance.

Natera, Inc.
Classification: Uncertain significance for Dystrophic epidermolysis bullosa. Last evaluated: 2025-04-11. Review status: no assertion criteria provided. Collection method: clinical testing. Allele origin: germline. Not counted in ClinVar's aggregate classification.